The following is an entry in ClinVar:

NM_024740.2(ALG9):c.131+1G>A

Genes: ALG9 (ALG9 alpha-1,2-mannosyltransferase; minus strand), LOC130006752 (ATAC-STARR-seq lymphoblastoid silent region 3902; plus strand). Cytogenetic location: 11q23.1.
Variant type: single nucleotide variant.
Coding change: c.131+1G>A on transcript NM_024740.2 (MANE Select); the canonical splice donor site of the intron after coding-DNA position 131, G replaced by A.
Molecular consequence: splice donor variant.
Genome position (GRCh38, 1-based): chr11:111,871,351, C>T on the plus strand (G>A on the coding strand, the complement: ALG9 is on the minus strand). VCF-style: chr11-111871351-C-T. GRCh37 (hg19) VCF-style: chr11-111742074-C-T.
Other names: c.-244+1G>A (NM_001352409.1); c.131+1G>A (NM_001352418.1, NM_001441206.1, NM_001352417.1 and 4 more transcripts); c.-387+1G>A (NM_001352410.1, NM_001352413.1).
Identifiers: ClinVar variation 5007780 (VCV005007780.2).
Genomic context (GRCh38, chr11:111,871,351, plus strand): 5'-CCGGGGGCAGCCCCGAACCGCCCCGCCGGCCGGCCACGCCCCTGCCGCGCCGCACACGTA[C>T]TCGGTCCGGTGCTCCGCGCCGCCCGCCTCTCGGCTGCCCAGCAGCTCCCGCAGCTTGTCC-3'

ClinVar aggregate classification (germline): Likely pathogenic (1 of 4 stars; one submission).

Conditions:
Gillessen-Kaesbach-Nishimura syndrome (GIKANIS). Identifiers: MedGen C1849762, MONDO:0009890, OMIM 263210.
ALG9 congenital disorder of glycosylation (CDG1L). Also called: ALG9-CDG; CDG Il; CONGENITAL DISORDER OF GLYCOSYLATION, TYPE Il. Identifiers: Orphanet 79328, MedGen C2931006, MONDO:0012117, OMIM 608776.

Submission:

Juno Genomics, Hangzhou Juno Genomics, Inc
Classification: Likely pathogenic for ALG9 congenital disorder of glycosylation; Gillessen-Kaesbach-Nishimura syndrome. Review status: criteria provided, single submitter. Criteria: ACMG Guidelines, 2015. Collection method: clinical testing. Allele origin: germline.
Comment: Null variant in a gene where loss of function (LOF) is a known mechanism of disease.;Absent from controls (or at extremely low frequency if recessive) in Genome Aggregation Database.